The following is an entry in ClinVar:

ClinVar aggregate classification (germline): Uncertain significance (1 of 4 stars; one submission).

Conditions:
Dilated cardiomyopathy 1G (CMD1G). Identifiers: Orphanet 154, MedGen C1858763, MONDO:0011400, OMIM 604145.
Autosomal recessive limb-girdle muscular dystrophy type 2J (LGMDR10). Also called: Limb-girdle muscular dystrophy, type 2J; MUSCULAR DYSTROPHY, LIMB-GIRDLE, AUTOSOMAL RECESSIVE 10. Identifiers: Orphanet 140922, MedGen C1837342, MONDO:0012127, OMIM 608807.

Allele frequency attached by ClinVar (database versions not stated): TOPMed 0.00001.

Submission:

Labcorp Genetics (formerly Invitae), Labcorp
Classification: Uncertain significance for Dilated cardiomyopathy 1G; Autosomal recessive limb-girdle muscular dystrophy type 2J. Last evaluated: 2025-03-14. Review status: criteria provided, single submitter. Criteria: Invitae Variant Classification Sherloc (09022015). Collection method: clinical testing. Allele origin: germline.
Comment: This sequence change replaces glutamic acid, which is acidic and polar, with lysine, which is basic and polar, at codon 34148 of the TTN protein (p.Glu34148Lys). This variant is not present in population databases (gnomAD no frequency). This variant has not been reported in the literature in individuals affected with TTN-related conditions. ClinVar contains an entry for this variant (Variation ID: 1008981). Experimental studies and prediction algorithms are not available or were not evaluated, and the functional significance of this variant is currently unknown. This variant is located in the M band of TTN (PMID: 25589632). Non-truncating variants in this region may be relevant for neuromuscular disorders, but have not been definitively shown to cause cardiomyopathy (PMID: 23975875). In summary, the available evidence is currently insufficient to determine the role of this variant in disease. Therefore, it has been classified as a Variant of Uncertain Significance.

Literature cited by the submitters: PubMed 25589632; PubMed 23975875.

NM_001267550.2(TTN):c.102442G>A (p.Glu34148Lys)

Genes: TTN (titin; minus strand), TTN-AS1 (TTN antisense RNA 1; plus strand). Cytogenetic location: 2q31.2.
Variant type: single nucleotide variant.
Coding change: c.102442G>A on transcript NM_001267550.2 (MANE Select); coding-DNA position 102442, G replaced by A.
Protein change: p.Glu34148Lys; replaces glutamic acid 34148 with lysine.
Molecular consequence: missense variant.
Genome position (GRCh38, 1-based): chr2:178,534,173, C>T on the plus strand (G>A on the coding strand, the complement: TTN is on the minus strand). VCF-style: chr2-178534173-C-T. GRCh37 (hg19) VCF-style: chr2-179398900-C-T.
Other names: c.97519G>A, p.Glu32507Lys (NM_001256850.1); c.75247G>A, p.Glu25083Lys (NM_003319.4); c.94738G>A, p.Glu31580Lys (NM_133378.4); c.75622G>A, p.Glu25208Lys (NM_133432.3); c.75823G>A, p.Glu25275Lys (NM_133437.4); short protein forms E25083K, E25208K, E25275K, E31580K, E32507K, E34148K.
Identifiers: ClinVar variation 1008981 (VCV001008981.7), dbSNP rs1372227820, ClinGen allele CA349417533.